The following is an entry in ClinVar:

ClinVar aggregate classification (germline): Likely pathogenic (1 of 4 stars; one submission).

Conditions:
Hereditary cancer-predisposing syndrome. Also called: Tumor predisposition; Hereditary neoplastic syndrome; Neoplastic Syndromes, Hereditary; Hereditary Cancer Syndrome. Identifiers: Orphanet 140162, MedGen C0027672, MeSH D009386, MONDO:0015356.

Submission:

Ambry Genetics
Classification: Likely pathogenic for Hereditary cancer-predisposing syndrome. Last evaluated: 2019-06-21. Review status: criteria provided, single submitter. Criteria: Ambry Variant Classification Scheme 2023. Collection method: clinical testing. Allele origin: germline.
Comment: The c.1498delG variant, located in coding exon 10 of the FLCN gene, results from a deletion of one nucleotide at nucleotide position 1498, causing a translational frameshift with a predicted alternate stop codon (p.V500Wfs*13). This alteration is expected to result in loss of function by premature protein truncation. As such, this alteration is interpreted as a likely pathogenic.

NM_144997.7(FLCN):c.1498del (p.Val500fs)

Gene: FLCN (folliculin; minus strand). Cytogenetic location: 17p11.2.
Variant type: Deletion.
Coding change: c.1498del on transcript NM_144997.7 (MANE Select); coding-DNA position 1498, one base deleted (G; older notation c.1498delG).
Protein change: p.Val500fs; shifts the reading frame from valine 500.
Molecular consequence: frameshift variant.
Genome position (GRCh38, 1-based): chr17:17,215,025, C deleted on the plus strand (G on the coding strand, the reverse complement: FLCN is on the minus strand); the first of 2 consecutive C bases (chr17:17,215,025-17,215,026); deleting either gives the same sequence. VCF-style (leftmost placement, unchanged base first): chr17-17215024-AC-A. GRCh37 (hg19) VCF-style: chr17-17118338-AC-A.
Other names: c.1552del, p.Val518fs (NM_001353229.2); c.1498del, p.Val500fs (NM_001353230.2, NM_001353231.2); short protein forms V518fs, V500fs.
Identifiers: ClinVar variation 819384 (VCV000819384.4), dbSNP rs1597578776, ClinGen allele CA915949597.